The following is an entry in ClinVar:

ClinVar aggregate classification (germline): Uncertain significance. Review status: criteria provided, multiple submitters, no conflicts (2 of 4 stars). 2 submissions from 2 submitters: Uncertain significance (2). Last evaluated 2025-09-25.

Conditions:
Noonan syndrome (NS). Also called: Noonan's syndrome. Identifiers: Orphanet 648, MedGen C0028326, MeSH D009634, MONDO:0018997. Disease mechanism: gain of function.

Allele frequency attached by ClinVar (database versions not stated): ESP Exome Variant Server 0.00008; TOPMed 0.00002.
gnomAD v4.1: 88 of 1,569,600 alleles (0.0056%); highest among the groups gnomAD compares: Non-Finnish European, 0.0068%; no homozygotes.

Submissions (2):

Ambry Genetics
Classification: Uncertain significance. Last evaluated: 2025-09-25. Review status: criteria provided, single submitter. Criteria: Ambry Variant Classification Scheme 2023. Collection method: clinical testing. Allele origin: germline.
Comment: The p.R191G variant (also known as c.571C>G), located in coding exon 5 of the RRAS gene, results from a C to G substitution at nucleotide position 571. The arginine at codon 191 is replaced by glycine, an amino acid with dissimilar properties. This amino acid position is conserved. In addition, this alteration is predicted to be deleterious by in silico analysis. Since supporting evidence is limited at this time, the clinical significance of this alteration remains unclear.

Labcorp Genetics (formerly Invitae), Labcorp
Classification: Uncertain significance for Noonan syndrome. Last evaluated: 2025-05-13. Review status: criteria provided, single submitter. Criteria: Invitae Variant Classification Sherloc (09022015). Collection method: clinical testing. Allele origin: germline.
Comment: This sequence change replaces arginine, which is basic and polar, with glycine, which is neutral and non-polar, at codon 191 of the RRAS protein (p.Arg191Gly). This variant is present in population databases (rs199540462, gnomAD 0.009%). This variant has not been reported in the literature in individuals affected with RRAS-related conditions. ClinVar contains an entry for this variant (Variation ID: 2624545). An algorithm developed to predict the effect of missense changes on protein structure and function (PolyPhen-2) suggests that this variant is likely to be disruptive. In summary, the available evidence is currently insufficient to determine the role of this variant in disease. Therefore, it has been classified as a Variant of Uncertain Significance.

NM_006270.5(RRAS):c.571C>G (p.Arg191Gly)

Gene: RRAS (RAS related; minus strand). Cytogenetic location: 19q13.33.
Variant type: single nucleotide variant.
Coding change: c.571C>G on transcript NM_006270.5 (MANE Select); coding-DNA position 571, C replaced by G.
Protein change: p.Arg191Gly; replaces arginine 191 with glycine.
Molecular consequence: missense variant.
Genome position (GRCh38, 1-based): chr19:49,635,735, G>C on the plus strand (C>G on the coding strand, the complement: RRAS is on the minus strand). VCF-style: chr19-49635735-G-C. GRCh37 (hg19) VCF-style: chr19-50138992-G-C.
Other names: short protein forms R191G.
Identifiers: ClinVar variation 2624545 (VCV002624545.5), dbSNP rs199540462, ClinGen allele CA9578957.